The following is an entry in ClinVar:

NM_024757.5(EHMT1):c.2382+1G>A

Gene: EHMT1 (euchromatic histone lysine methyltransferase 1; plus strand). Cytogenetic location: 9q34.3.
Variant type: single nucleotide variant.
Coding change: c.2382+1G>A on transcript NM_024757.5 (MANE Select); the canonical splice donor site of the intron after coding-DNA position 2382, G replaced by A.
Molecular consequence: splice donor variant.
Genome position (GRCh38, 1-based): chr9:137,782,398, G>A. VCF-style: chr9-137782398-G-A. GRCh37 (hg19) VCF-style: chr9-140676850-G-A.
Other names: c.2361+1G>A (NM_001354263.2); c.2289+1G>A (NM_001354259.2); c.2382+1G>A (NM_001145527.2).
Identifiers: ClinVar variation 1338984 (VCV001338984.2), dbSNP rs2136894487, ClinGen allele CA375783411.

ClinVar aggregate classification (germline): Likely pathogenic (1 of 4 stars; one submission).

Conditions:
Kleefstra syndrome 1 (KLEFS1). Identifiers: Orphanet 261494, MedGen C0795833, MONDO:0027407, OMIM 610253.

Submission:

Neuberg Centre For Genomic Medicine, NCGM
Classification: Likely pathogenic for Kleefstra syndrome 1. Review status: criteria provided, single submitter. Criteria: ACMG Guidelines, 2015. Collection method: clinical testing. Allele origin: germline. Affected: yes.
Comment: The splice donor variant c.2382+1G>A in EHMT1 (NM_024757.5) has not been reported previously as a pathogenic variant nor as a benign variant, to our knowledge. The c.2382+1G>A variant is novel (not in any individuals) in gnomAD Exomes and is novel (not in any individuals) in 1000 Genomes. The variant affects an invariant splice nuceotide and hence is predicted to cause loss of function. Loss of function variant have been previously reported to be disease causing. For these reasons, this variant has been classified as Likely Pathogenic.